The following is an entry in ClinVar:

NM_001298.3(CNGA3):c.1679C>A (p.Ser560Ter)

Gene: CNGA3 (cyclic nucleotide gated channel subunit alpha 3; plus strand). Cytogenetic location: 2q11.2.
Variant type: single nucleotide variant.
Coding change: c.1679C>A on transcript NM_001298.3 (MANE Select); coding-DNA position 1679, C replaced by A.
Protein change: p.Ser560Ter; replaces serine 560 with a stop codon.
Molecular consequence: nonsense.
Genome position (GRCh38, 1-based): chr2:98,396,849, C>A. VCF-style: chr2-98396849-C-A. GRCh37 (hg19) VCF-style: chr2-99013312-C-A.
Other names: p.Ser560*; c.1679C>A (NM_001298.2); c.1625C>A, p.Ser542Ter (NM_001079878.2); short protein forms S542*, S560*.
Identifiers: ClinVar variation 2095555 (VCV002095555.5), dbSNP rs370911601, ClinGen allele CA347834063.

ClinVar aggregate classification (germline): Pathogenic/Likely pathogenic. Review status: criteria provided, multiple submitters, no conflicts (2 of 4 stars). 2 submissions from 2 submitters: Pathogenic (1); Likely pathogenic (1). Last evaluated 2023-04-05.

Conditions:
Achromatopsia. Also called: Rod monochromatism. Identifiers: Orphanet 49382, MedGen C0152200, MONDO:0018852, HP:0011516.

Submissions (2):

Labcorp Genetics (formerly Invitae), Labcorp
Classification: Pathogenic. Last evaluated: 2023-04-05. Review status: criteria provided, single submitter. Criteria: Invitae Variant Classification Sherloc (09022015). Collection method: clinical testing. Allele origin: germline.
Comment: This variant is not present in population databases (gnomAD no frequency). This sequence change creates a premature translational stop signal (p.Ser560*) in the CNGA3 gene. While this is not anticipated to result in nonsense mediated decay, it is expected to disrupt the last 135 amino acid(s) of the CNGA3 protein. This variant has not been reported in the literature in individuals affected with CNGA3-related conditions. ClinVar contains an entry for this variant (Variation ID: 2095555). This variant disrupts a region of the CNGA3 protein in which other variant(s) (p.Arg661Ser) have been determined to be pathogenic (PMID: 24676353, 30711023; Invitae). This suggests that this is a clinically significant region of the protein, and that variants that disrupt it are likely to be disease-causing. For these reasons, this variant has been classified as Pathogenic.

Breda Genetics srl
Classification: Likely pathogenic for Achromatopsia. Last evaluated: 2021-02-24. Review status: criteria provided, single submitter. Criteria: ACMG Guidelines, 2015. Collection method: clinical testing. Allele origin: germline. Affected: no. Observed: 1 variant allele.
Comment: The variant is predicted to introduce a premature stop codon and cause loss of function through protein truncation or nonsense-mediated decay.

Literature cited by the submitters: PubMed 24676353 (cited by Labcorp Genetics (formerly Invitae), Labcorp); PubMed 30711023 (cited by Labcorp Genetics (formerly Invitae), Labcorp).